The following is an entry in ClinVar:

ClinVar aggregate classification (germline): Likely benign. Review status: reviewed by expert panel (3 of 4 stars). 3 submissions from 3 submitters: Likely benign (1). 2 of the submissions do not count toward it. Last evaluated 2024-09-18.

Conditions:
Inborn genetic diseases. Identifiers: MedGen C0950123, MeSH D030342.
Hereditary thrombocytopenia and hematological cancer predisposition syndrome associated with RUNX1. Also called: Familial Platelet Disorder with Propensity to Acute Myelogenous Leukemia; Familial thrombocytopenia with propensity to acute myelogenous leukemia; PLATELET DISORDER, ASPIRIN-LIKE; RUNX1 Familial Platelet Disorder with Associated Myeloid Malignancies. Identifiers: Orphanet 71290, MedGen C1832388, MeSH C563324, MONDO:0100083, OMIM 601399.
Hereditary thrombocytopenia and hematologic cancer predisposition syndrome. Identifiers: Orphanet 71290, MedGen CN281654, MONDO:0011071.

Allele frequency attached by ClinVar (database versions not stated): gnomAD 0.00001.
gnomAD v4.1: 2 of 1,543,426 alleles (0.00013%); highest among the groups gnomAD compares: African/African-American, 0.0014%; no homozygotes.

Submissions (3):

ClinGen Myeloid Malignancy Variant Curation Expert Panel
Classification: Likely benign for Hereditary thrombocytopenia and hematologic cancer predisposition syndrome. Last evaluated: 2024-09-18. Review status: reviewed by expert panel. Criteria: ClinGen MyeloMalig ACMG Specifications v2. Collection method: curation. Allele origin: germline. Inheritance: Autosomal dominant inheritance.
Comment: NM_001754.5(RUNX1):c.1293C>T (p.Pro431=) is a synonymous variant which has a SpliceAI score ≤ 0.20 (0.0) (BP4). This variant has a SpliceAI score ≤ 0.20 (0.0) and evolutionary conservation algorithms predict the site as being not conserved (PhyloP score ≤ 2.0 (0.75) (BP7). This variant is completely absent from all population databases with at least 20x coverage for RUNX1 (PM2_Supporting). In summary, this variant meets criteria to be classified as likely benign. ACMG/AMP criteria applied, as specified by the Myeloid Malignancy Variant Curation Expert Panel for RUNX1: BP4, BP7, PM2_supporting.

Ambry Genetics
Classification: Likely benign for Inborn genetic diseases. Last evaluated: 2025-02-03. Review status: criteria provided, single submitter. Criteria: Ambry Variant Classification Scheme 2023. Collection method: clinical testing. Allele origin: germline. Not counted in ClinVar's aggregate classification.

Labcorp Genetics (formerly Invitae), Labcorp
Classification: Likely benign for Hereditary thrombocytopenia and hematological cancer predisposition syndrome associated with RUNX1. Last evaluated: 2022-12-20. Review status: criteria provided, single submitter. Criteria: Invitae Variant Classification Sherloc (09022015). Collection method: clinical testing. Allele origin: germline. Not counted in ClinVar's aggregate classification.

NM_001754.5(RUNX1):c.1293C>T (p.Pro431=)

Gene: RUNX1 (RUNX family transcription factor 1; minus strand). Cytogenetic location: 21q22.12.
Variant type: single nucleotide variant.
Coding change: c.1293C>T on transcript NM_001754.5 (MANE Select); coding-DNA position 1293, C replaced by T.
Protein change: p.Pro431=; no amino-acid change (proline 431 retained).
Molecular consequence: synonymous variant.
Genome position (GRCh38, 1-based): chr21:34,792,285, G>A on the plus strand (C>T on the coding strand, the complement: RUNX1 is on the minus strand). VCF-style: chr21-34792285-G-A. GRCh37 (hg19) VCF-style: chr21-36164582-G-A.
Other names: NM_001754.5(RUNX1):c.1293C>T; p.Pro431=; c.1212C>T, p.Pro404= (NM_001001890.3).
Identifiers: ClinVar variation 2716228 (VCV002716228.5), dbSNP rs770596574, ClinGen allele CA512341102.
Genomic context (GRCh38, chr21:34,792,285, plus strand): 5'-GTCGCTCTGGTTCGGGAGGCTGGGGTTGAGCAGCGCGGAGCCGGTGGAGGCGTTGGTGCA[G>A]GGCGGCAGGATGCGCGGCGGCGAGCGCTCGCCGCCCACCATGGAGAACTGGTAGGAGCCG-3'
Protein context (NP_001745.2, residues 421-441): GERSPPRILP[Pro431=]CTNASTGSAL